The following is an entry in ClinVar:

ClinVar aggregate classification (germline): Pathogenic. Review status: criteria provided, multiple submitters, no conflicts (2 of 4 stars). 2 submissions from 2 submitters: Pathogenic (2). Last evaluated 2023-09-22.

Conditions:
Early-infantile DEE. Also called: Early infantile epileptic encephalopathy with suppression bursts; Early infantile epileptic encephalopathy; Ohtahara syndrome. Identifiers: Orphanet 1934, MedGen C0393706, MONDO:0800491.
SCN1A-related disorder. Also called: SCN1A-related conditions; SCN1A-related condition; SCN1A-related disorders.

Submissions (2):

Blueprint Genetics
Classification: Pathogenic for SCN1A-related disorders. Last evaluated: 2023-09-22. Review status: criteria provided, single submitter. Criteria: ACMG Guidelines, 2015. Collection method: clinical testing. Allele origin: germline. Affected: yes. Observed: 1 variant allele.

Labcorp Genetics (formerly Invitae), Labcorp
Classification: Pathogenic for Early-infantile DEE. Last evaluated: 2020-03-02. Review status: criteria provided, single submitter. Criteria: Invitae Variant Classification Sherloc (09022015). Collection method: clinical testing. Allele origin: germline.
Comment: Loss-of-function variants in SCN1A are known to be pathogenic (PMID: 17347258, 18930999). For these reasons, this variant has been classified as Pathogenic. This nonsense change has been observed in individual(s) with Dravet syndrome (PMID: 18930999). This variant is not present in population databases (ExAC no frequency). This sequence change creates a premature translational stop signal (p.Trp832*) in the SCN1A gene. It is expected to result in an absent or disrupted protein product.

Literature cited by the submitters: PubMed 17347258 (cited by Labcorp Genetics (formerly Invitae), Labcorp); PubMed 18930999 (cited by Labcorp Genetics (formerly Invitae), Labcorp).

NM_001165963.4(SCN1A):c.2496G>A (p.Trp832Ter)

Gene: SCN1A (sodium voltage-gated channel alpha subunit 1; minus strand). Cytogenetic location: 2q24.3.
Variant type: single nucleotide variant.
Coding change: c.2496G>A on transcript NM_001165963.4 (MANE Select); coding-DNA position 2496, G replaced by A.
Protein change: p.Trp832Ter; replaces tryptophan 832 with a stop codon.
Molecular consequence: nonsense. On other transcripts: non-coding transcript variant (1).
Genome position (GRCh38, 1-based): chr2:166,039,516, C>T on the plus strand (G>A on the coding strand, the complement: SCN1A is on the minus strand). VCF-style: chr2-166039516-C-T. GRCh37 (hg19) VCF-style: chr2-166896026-C-T.
Other names: c.2412G>A, p.Trp804Ter (NM_001165964.3, NM_001353957.2, NM_001353958.2); c.2496G>A, p.Trp832Ter (NM_001202435.3, NM_001353948.2); c.2463G>A, p.Trp821Ter (NM_001353949.2, NM_001353950.2, NM_001353951.2 and 2 more transcripts); c.2460G>A, p.Trp820Ter (NM_001353954.2, NM_001353955.2); c.2409G>A, p.Trp803Ter (NM_001353960.2); c.54G>A, p.Trp18Ter (NM_001353961.2); short protein forms W18*, W803*, W804*, W820*, W821*, W832*.
Identifiers: ClinVar variation 1068660 (VCV001068660.11), dbSNP rs1553542309, ClinGen allele CA349062610.
Genomic context (GRCh38, chr2:166,039,516, plus strand): 5'-CACATTGGCGAGTCCAAGTTCTACCAGGCTAAGCGTCACAATAAAACCGTCAAAGATATT[C>T]CAGCCTTCTTGGAAATAATAGTAAGGATCCATGGCAATAATTTTCAGAAACATTTCTGCT-3'